The following is an entry in ClinVar:

ClinVar aggregate classification (germline): Likely pathogenic (1 of 4 stars; one submission).

Conditions:
ALG1-congenital disorder of glycosylation. Also called: ALG1-CDG; CDG Ik; CONGENITAL DISORDER OF GLYCOSYLATION, TYPE Ik. Identifiers: Orphanet 79327, MedGen C2931005, MONDO:0012052, OMIM 608540.

Allele frequency attached by ClinVar (database versions not stated): gnomAD exomes below 0.00001; ExAC 0.00001.

Submission:

Labcorp Genetics (formerly Invitae), Labcorp
Classification: Likely pathogenic for ALG1-congenital disorder of glycosylation. Last evaluated: 2022-06-29. Review status: criteria provided, single submitter. Criteria: Invitae Variant Classification Sherloc (09022015). Collection method: clinical testing. Allele origin: germline.
Comment: In summary, the currently available evidence indicates that the variant is pathogenic, but additional data are needed to prove that conclusively. Therefore, this variant has been classified as Likely Pathogenic. Algorithms developed to predict the effect of sequence changes on RNA splicing suggest that this variant may disrupt the consensus splice site. This variant has not been reported in the literature in individuals affected with ALG1-related conditions. This variant is present in population databases (rs778491977, gnomAD 0.006%). This sequence change affects a donor splice site in intron 6 of the ALG1 gene. It is expected to disrupt RNA splicing. Variants that disrupt the donor or acceptor splice site typically lead to a loss of protein function (PMID: 16199547), and loss-of-function variants in ALG1 are known to be pathogenic (PMID: 20679665, 23806237).

Literature cited by the submitters: PubMed 16199547; PubMed 20679665; PubMed 23806237.

NM_019109.5(ALG1):c.740+1G>A

Gene: ALG1 (ALG1 chitobiosyldiphosphodolichol beta-mannosyltransferase; plus strand). Cytogenetic location: 16p13.3.
Variant type: single nucleotide variant.
Coding change: c.740+1G>A on transcript NM_019109.5 (MANE Select); the canonical splice donor site of the intron after coding-DNA position 740, G replaced by A.
Molecular consequence: splice donor variant.
Genome position (GRCh38, 1-based): chr16:5,078,018, G>A. VCF-style: chr16-5078018-G-A. GRCh37 (hg19) VCF-style: chr16-5128019-G-A.
Other names: c.407+1G>A (NM_001330504.2).
Identifiers: ClinVar variation 2108221 (VCV002108221.4), dbSNP rs778491977, ClinGen allele CA7889976.
Genomic context (GRCh38, chr16:5,078,018, plus strand): 5'-GGACCTGCAGCACCGGCTCTTCATGAAGCTGGGCAGCATGCACTCTCCGTTCAGGGCCCG[G>A]TAGGCCTCCCATCCTCAGCTGCCTTCTCTCCTGCTCGCCACTGCCCTGGCCTCTCCCCTT-3'